The following is an entry in ClinVar:

ClinVar aggregate classification (germline): Pathogenic/Likely pathogenic. Review status: criteria provided, multiple submitters, no conflicts (2 of 4 stars). 7 submissions from 6 submitters: Pathogenic (6); Likely pathogenic (1). Last evaluated 2025-02-25.

Conditions:
Hereditary cancer-predisposing syndrome. Also called: Tumor predisposition; Hereditary Cancer Syndrome; Hereditary neoplastic syndrome; Neoplastic Syndromes, Hereditary. Identifiers: Orphanet 140162, MedGen C0027672, MeSH D009386, MONDO:0015356.
Familial cancer of breast. Also called: Hereditary breast cancer; BREAST CANCER, FAMILIAL; hereditary breast carcinoma. Identifiers: Orphanet 227535, MedGen C0346153, MONDO:0016419, OMIM 114480. Disease mechanism: loss of function.
Ataxia-telangiectasia syndrome (AT). Also called: ATAXIA-TELANGIECTASIA, COMPLEMENTATION GROUP A; ATAXIA-TELANGIECTASIA, FRESNO VARIANT; Ataxia-telangiectasia; Ataxia telangiectasia (A-T); Cerebello-oculocutaneous telangiectasia; Immunodeficiency with ataxia telangiectasia. Identifiers: Orphanet 100, MedGen C0004135, MONDO:0008840, OMIM 208900.
Immunodeficiency. Identifiers: MedGen C0021051, MONDO:0021094, HP:0002721.
Cerebellar ataxia. Identifiers: Orphanet 102002, MedGen C0007758, MONDO:0000437.
Conjunctival telangiectasia. Identifiers: MedGen C0239105, HP:0000524.
Oculomotor apraxia. Identifiers: MedGen C3489733, HP:0000657.

Submissions (7):

Labcorp Genetics (formerly Invitae), Labcorp
Classification: Pathogenic for Ataxia-telangiectasia syndrome. Last evaluated: 2025-02-25. Review status: criteria provided, single submitter. Criteria: Invitae Variant Classification Sherloc (09022015). Collection method: clinical testing. Allele origin: germline.
Comment: This sequence change creates a premature translational stop signal (p.Asn230Ilefs*4) in the ATM gene. It is expected to result in an absent or disrupted protein product. Loss-of-function variants in ATM are known to be pathogenic (PMID: 23807571, 25614872). This variant is not present in population databases (gnomAD no frequency). This variant has not been reported in the literature in individuals affected with ATM-related conditions. ClinVar contains an entry for this variant (Variation ID: 374194). For these reasons, this variant has been classified as Pathogenic.

Myriad Genetics, Inc.
Classification: Pathogenic for Familial cancer of breast. Last evaluated: 2024-01-09. Review status: criteria provided, single submitter. Criteria: Myriad Autosomal Dominant, Autosomal Recessive and X-Linked Classification Criteria (2023). Collection method: clinical testing. Allele origin: unknown.
Comment: This variant is considered pathogenic. This variant creates a frameshift predicted to result in premature protein truncation.

Ambry Genetics
Classification: Pathogenic for Hereditary cancer-predisposing syndrome. Last evaluated: 2023-09-06. Review status: criteria provided, single submitter. Criteria: Ambry Variant Classification Scheme 2023. Collection method: clinical testing. Allele origin: germline.
Comment: The c.689delA pathogenic mutation, located in coding exon 6 of the ATM gene, results from a deletion of one nucleotide at nucleotide position 689, causing a translational frameshift with a predicted alternate stop codon (p.N230Ifs*4). This mutation, designated 687delA, was identified in an Austrian family with three or more affected individuals, including two diagnosed with breast cancer before age 50 (Thorstenson YR et al. Cancer Res. 2003 Jun;63:3325-33). In addition to the clinical data presented in the literature, this alteration is expected to result in loss of function by premature protein truncation or nonsense-mediated mRNA decay. As such, this alteration is interpreted as a disease-causing mutation.

Centre for Mendelian Genomics, University Medical Centre Ljubljana
Classification: Pathogenic for Familial cancer of breast. Last evaluated: 2022-12-09. Review status: criteria provided, single submitter. Criteria: ACMG Guidelines, 2015. Collection method: research. Allele origin: germline. Affected: no.
Comment: PVS1, PM2_SUP, PM3_SUP

Sema4
Classification: Likely pathogenic for Hereditary cancer-predisposing syndrome. Last evaluated: 2021-11-04. Review status: criteria provided, single submitter. Criteria: Sema4 Curation Guidelines. Collection method: curation. Allele origin: germline.
Comment: The ATM c.689delA (p.N230IfsX4) variant has been reported in heterozygosity in at least one individual with breast cancer (PMID: 12810666). This variant causes a frameshift at amino acid 230 that results in premature termination 4 amino acids downstream. At this location, this variant is predicted to cause loss of normal protein function either through protein truncation or nonsense-mediated mRNA decay. Loss of function variants in ATM are known to be pathogenic (PMID: 31050087). This variant is not reported in the Genome Aggregation Database (PMID: 32461654), but has been reported in ClinVar (Variation ID: 374194). Based on the current evidence available, this variant is interpreted as likely pathogenic.

Department of Molecular Diagnostics, Institute of Oncology Ljubljana
Classification: Pathogenic for Familial cancer of breast. Last evaluated: 2020-04-02. Review status: criteria provided, single submitter. Criteria: ACMG Guidelines, 2015. Collection method: clinical testing. Allele origin: germline. Affected: yes.

Centre for Mendelian Genomics, University Medical Centre Ljubljana
Classification: Pathogenic for Ataxia; Conjunctival telangiectasia; Immunodeficiency; Oculomotor apraxia. Last evaluated: 2014-03-11. Review status: criteria provided, single submitter. Criteria: ACMG Guidelines, 2015. Collection method: clinical testing. Allele origin: unknown. Affected: yes.

Literature cited by the submitters: PubMed 23807571 (cited by Labcorp Genetics (formerly Invitae), Labcorp); PubMed 25614872 (cited by Labcorp Genetics (formerly Invitae), Labcorp); PubMed 12810666 (cited by Ambry Genetics and Sema4); PubMed 31050087 (cited by Sema4).

NM_000051.4(ATM):c.689del (p.Asn230fs)

Gene: ATM (ATM serine/threonine kinase; plus strand). Cytogenetic location: 11q22.3.
Variant type: Deletion.
Coding change: c.689del on transcript NM_000051.4 (MANE Select); coding-DNA position 689, one base deleted (A; older notation c.689delA).
Protein change: p.Asn230fs; shifts the reading frame from asparagine 230.
Molecular consequence: frameshift variant.
Genome position (GRCh38, 1-based): chr11:108,244,814, A deleted; the last of 3 consecutive A bases (chr11:108,244,812-108,244,814); deleting any one gives the same sequence. VCF-style (leftmost placement, unchanged base first): chr11-108244811-TA-T. GRCh37 (hg19) VCF-style: chr11-108115538-TA-T.
Other names: c.689delA (NM_000051.3); c.687delA (NM_000051.3); c.689del, p.Asn230fs (NM_001351834.2); short protein forms N230fs.
Identifiers: ClinVar variation 374194 (VCV000374194.20), dbSNP rs1057518965, ClinGen allele CA16043454.
Genomic context (GRCh38, chr11:108,244,811, plus strand): 5'-CTGTTATACCCAGTTGAGCTTGTTTGTTTCTTCACAGACAAGAAAAGAGCTCTTCAGGTC[TA>T]AATCATATCTTAGCAGCTCTTACTATCTTCCTCAAGACTTTGGCTGTCAACTTTCGAATT-3'